The following is an entry in ClinVar:

ClinVar aggregate classification (germline): Uncertain significance. Review status: criteria provided, multiple submitters, no conflicts (2 of 4 stars). 2 submissions from 2 submitters: Uncertain significance (2). Last evaluated 2024-10-06.

Conditions:
Inborn genetic diseases. Identifiers: MedGen C0950123, MeSH D030342.

Allele frequency attached by ClinVar (database versions not stated): TOPMed below 0.00001; gnomAD 0.00001; gnomAD exomes 0.00001.
gnomAD v4.1: 9 of 1,562,310 alleles (0.00058%); highest among the groups gnomAD compares: Admixed American, 0.0038%; no homozygotes.

Submissions (2):

Labcorp Genetics (formerly Invitae), Labcorp
Classification: Uncertain significance. Last evaluated: 2024-10-06. Review status: criteria provided, single submitter. Criteria: Invitae Variant Classification Sherloc (09022015). Collection method: clinical testing. Allele origin: germline.
Comment: This sequence change replaces alanine, which is neutral and non-polar, with valine, which is neutral and non-polar, at codon 148 of the NACC1 protein (p.Ala148Val). The frequency data for this variant in the population databases is considered unreliable, as metrics indicate poor data quality at this position in the gnomAD database. This variant has not been reported in the literature in individuals affected with NACC1-related conditions. Invitae Evidence Modeling of protein sequence and biophysical properties (such as structural, functional, and spatial information, amino acid conservation, physicochemical variation, residue mobility, and thermodynamic stability) indicates that this missense variant is not expected to disrupt NACC1 protein function with a negative predictive value of 80%. In summary, the available evidence is currently insufficient to determine the role of this variant in disease. Therefore, it has been classified as a Variant of Uncertain Significance.

Ambry Genetics
Classification: Uncertain significance for Inborn genetic diseases. Last evaluated: 2024-08-20. Review status: criteria provided, single submitter. Criteria: Ambry Variant Classification Scheme 2023. Collection method: clinical testing. Allele origin: germline.

NM_052876.4(NACC1):c.443C>T (p.Ala148Val)

Gene: NACC1 (nucleus accumbens associated 1; plus strand). Cytogenetic location: 19p13.13.
Variant type: single nucleotide variant.
Coding change: c.443C>T on transcript NM_052876.4 (MANE Select); coding-DNA position 443, C replaced by T.
Protein change: p.Ala148Val; replaces alanine 148 with valine.
Molecular consequence: missense variant.
Genome position (GRCh38, 1-based): chr19:13,135,650, C>T. VCF-style: chr19-13135650-C-T. GRCh37 (hg19) VCF-style: chr19-13246464-C-T.
Other names: c.443C>T (NM_052876.2); short protein forms A148V.
Identifiers: ClinVar variation 2872693 (VCV002872693.4), dbSNP rs1429049466, ClinGen allele CA404325387.